The following is an entry in ClinVar:

NM_001849.4(COL6A2):c.-43G>T

Genes: COL6A2 (collagen type VI alpha 2 chain; plus strand), LOC121853033 (Sharpr-MPRA regulatory region 12001; plus strand). Cytogenetic location: 21q22.3.
Variant type: single nucleotide variant.
Coding change: c.-43G>T on transcript NM_001849.4 (MANE Select); 43 bases upstream of the start codon, G replaced by T.
Molecular consequence: 5 prime UTR variant.
Genome position (GRCh38, 1-based): chr21:46,098,158, G>T. VCF-style: chr21-46098158-G-T. GRCh37 (hg19) VCF-style: chr21-47518072-G-T.
Other names: c.-43G>T (NM_058174.3, NM_058175.3).
Identifiers: ClinVar variation 384609 (VCV000384609.1), dbSNP rs1057522012, ClinGen allele CA16609073.

ClinVar aggregate classification (germline): Likely benign (1 of 4 stars; one submission).

Allele frequency attached by ClinVar (database versions not stated): gnomAD 0.00001; TOPMed 0.00002.

Submission:

GeneDx
Classification: Likely benign. Last evaluated: 2016-03-28. Review status: criteria provided, single submitter. Criteria: GeneDx Variant Classification (06012015). Collection method: clinical testing. Allele origin: germline. Affected: yes.
Comment: This variant is considered likely benign or benign based on one or more of the following criteria: it is a conservative change, it occurs at a poorly conserved position in the protein, it is predicted to be benign by multiple in silico algorithms, and/or has population frequency not consistent with disease.